The following is an entry in ClinVar:

ClinVar aggregate classification (germline): Uncertain significance (1 of 4 stars; one submission).

Conditions:
Parathyroid carcinoma (PRTC). Also called: Parathyroid gland carcinoma; CDC73-Related Parathyroid Carcinoma. Identifiers: Orphanet 143, MedGen C0687150, MONDO:0012004, OMIM 608266, HP:0006780.

Submission:

Labcorp Genetics (formerly Invitae), Labcorp
Classification: Uncertain significance for Parathyroid carcinoma. Last evaluated: 2021-05-03. Review status: criteria provided, single submitter. Criteria: Invitae Variant Classification Sherloc (09022015). Collection method: clinical testing. Allele origin: germline.
Comment: This variant is not present in population databases (ExAC no frequency). This variant has not been reported in the literature in individuals with CDC73-related conditions. Algorithms developed to predict the effect of missense changes on protein structure and function are either unavailable or do not agree on the potential impact of this missense change (SIFT: "Tolerated"; PolyPhen-2: "Probably Damaging"; Align-GVGD: "Class C0"). In summary, the available evidence is currently insufficient to determine the role of this variant in disease. Therefore, it has been classified as a Variant of Uncertain Significance. This sequence change replaces phenylalanine with isoleucine at codon 250 of the CDC73 protein (p.Phe250Ile). The phenylalanine residue is highly conserved and there is a small physicochemical difference between phenylalanine and isoleucine.

NM_024529.5(CDC73):c.748T>A (p.Phe250Ile)

Gene: CDC73 (cell division cycle 73; plus strand). Cytogenetic location: 1q31.2.
Variant type: single nucleotide variant.
Coding change: c.748T>A on transcript NM_024529.5 (MANE Select); coding-DNA position 748, T replaced by A.
Protein change: p.Phe250Ile; replaces phenylalanine 250 with isoleucine.
Molecular consequence: missense variant.
Genome position (GRCh38, 1-based): chr1:193,147,885, T>A. VCF-style: chr1-193147885-T-A. GRCh37 (hg19) VCF-style: chr1-193117015-T-A.
Other names: short protein forms F250I.
Identifiers: ClinVar variation 1493162 (VCV001493162.8), dbSNP rs2103130536, ClinGen allele CA343963856.